The following is an entry in ClinVar:

NM_001276270.2(MBD4):c.181T>C (p.Cys61Arg)

Gene: MBD4 (methyl-CpG binding domain 4, DNA glycosylase; minus strand). Cytogenetic location: 3q21.3.
Variant type: single nucleotide variant.
Coding change: c.181T>C on transcript NM_001276270.2 (MANE Select); coding-DNA position 181, T replaced by C.
Protein change: p.Cys61Arg; replaces cysteine 61 with arginine.
Molecular consequence: missense variant.
Genome position (GRCh38, 1-based): chr3:129,437,874, A>G on the plus strand (T>C on the coding strand, the complement: MBD4 is on the minus strand). VCF-style: chr3-129437874-A-G. GRCh37 (hg19) VCF-style: chr3-129156717-A-G.
Other names: c.181T>C, p.Cys61Arg (NM_001276271.2, NM_001276272.2, NM_001276273.2 and 1 more transcripts); short protein forms C61R.
Identifiers: ClinVar variation 1336002 (VCV001336002.41), dbSNP rs2307296, ClinGen allele CA2605589.

ClinVar aggregate classification (germline): Benign/Likely benign. Review status: criteria provided, multiple submitters, no conflicts (2 of 4 stars). 7 submissions from 7 submitters: Benign (1); Likely benign (5). 1 of the submissions does not count toward it. Last evaluated 2026-06-02.

Conditions:
Tumor predisposition syndrome 2 (TPDS2). Also called: MBD4-associated neoplasia syndrome (MANS); MBD4-ASSOCIATED NEOPLASIA SYNDROME; MBD4-Related Tumor Predisposition Syndrome. Identifiers: Orphanet 661526, MedGen C5774186, MONDO:0859267, OMIM 619975.
Inborn genetic diseases. Identifiers: MedGen C0950123, MeSH D030342.
MBD4-related disorder. Also called: MBD4-related condition.

Allele frequency attached by ClinVar (database versions not stated): gnomAD exomes 0.00126 and 0.00128; ExAC 0.00138; gnomAD 0.00161 and 0.00168; 1000 Genomes Project 30x 0.00016; 1000 Genomes Project 0.00020; ESP Exome Variant Server 0.00108.
gnomAD v4.1: 2,072 of 1,614,066 alleles (0.13%); highest among the groups gnomAD compares: Non-Finnish European, 0.16%; 11 homozygotes.

Submissions (7):

Myriad Genetics, Inc.
Classification: Likely benign for Tumor predisposition syndrome 2. Last evaluated: 2026-06-02. Review status: criteria provided, single submitter. Criteria: Myriad Autosomal Dominant, Autosomal Recessive and X-Linked Classification Criteria (2023). Collection method: clinical testing. Allele origin: unknown.
Comment: This variant is considered likely benign. This variant has been observed at a population frequency that is significantly greater than expected given the associated disease prevalence and penetrance.

Labcorp Genetics (formerly Invitae), Labcorp
Classification: Likely benign. Last evaluated: 2026-02-04. Review status: criteria provided, single submitter. Criteria: Invitae Variant Classification Sherloc (09022015). Collection method: clinical testing. Allele origin: germline.

CeGaT Center for Human Genetics Tuebingen
Classification: Likely benign. Last evaluated: 2025-12-01. Review status: criteria provided, single submitter. Criteria: CeGaT Center For Human Genetics Tuebingen Variant Classification Criteria Version 2. Collection method: clinical testing. Allele origin: germline. Affected: yes. Observed: 21 variant alleles.
Comment: MBD4: BP4, BS2

ARUP Laboratories, Molecular Genetics and Genomics, ARUP Laboratories
Classification: Likely benign. Last evaluated: 2025-06-19. Review status: criteria provided, single submitter. Criteria: ARUP Molecular Germline Variant Investigation Process 2024. Collection method: clinical testing. Allele origin: germline.

Ambry Genetics
Classification: Benign for Inborn genetic diseases. Last evaluated: 2024-11-22. Review status: criteria provided, single submitter. Criteria: Ambry Variant Classification Scheme 2023. Collection method: clinical testing. Allele origin: germline.

Genetic Services Laboratory, University of Chicago
Classification: Likely benign. Last evaluated: 2021-08-17. Review status: criteria provided, single submitter. Criteria: ACMG Guidelines, 2015. Collection method: clinical testing. Allele origin: germline. Affected: no.

PreventionGenetics, part of Exact Sciences
Classification: Likely benign for MBD4-related condition. Last evaluated: 2022-03-11. Review status: no assertion criteria provided. Collection method: clinical testing. Allele origin: germline. Not counted in ClinVar's aggregate classification.
Comment: This variant is classified as likely benign based on ACMG/AMP sequence variant interpretation guidelines (Richards et al. 2015 PMID: 25741868, with internal and published modifications).